The following is an entry in ClinVar:

ClinVar aggregate classification (germline): Uncertain significance. Review status: criteria provided, multiple submitters, no conflicts (2 of 4 stars). 7 submissions from 7 submitters: Uncertain significance (6). 1 of the submissions does not count toward it. Last evaluated 2026-04-06.

Conditions:
MYH6-related disorder. Also called: MYH6-Related Disorders; MYH6-related condition.
Cardiovascular phenotype. Identifiers: MedGen CN230736.
Atrial septal defect 3 (ASD3). Identifiers: Orphanet 1478, MedGen C3279790, MONDO:0013567, OMIM 614089.
Dilated cardiomyopathy 1EE (CMD1EE). Identifiers: Orphanet 154, MedGen C2750466, MONDO:0013198, OMIM 613252.
Hypertrophic cardiomyopathy 14. Identifiers: MedGen C2750467, MONDO:0013197, OMIM 613251.
Sick sinus syndrome 3, susceptibility to (SSS3). Identifiers: Orphanet 166282, MedGen C3279791, MONDO:0013568, OMIM 614090.
Hypertrophic cardiomyopathy 1 (CMH1). Also called: Familial hypertrophic cardiomyopathy 1; MYH7-Related Familial Hypertrophic Cardiomyopathy. Identifiers: MedGen C3495498, MONDO:0008647, OMIM 192600.
Left ventricular noncompaction. Identifiers: Orphanet 54260, MedGen C1960469, MONDO:0018901, HP:0030682.

Allele frequency attached by ClinVar (database versions not stated): TOPMed 0.00002; gnomAD 0.00004 and 0.00005.
gnomAD v4.1: 84 of 1,605,498 alleles (0.0052%); highest among the groups gnomAD compares: East Asian, 0.02%; no homozygotes.

Submissions (7):

PreventionGenetics, part of Exact Sciences
Classification: Uncertain significance for MYH6-related condition. Last evaluated: 2026-04-06. Review status: criteria provided, single submitter. Criteria: ACMG Guidelines, 2015. Collection method: clinical testing. Allele origin: germline.
Comment: The MYH6 c.3413G>A variant is predicted to result in the amino acid substitution p.Arg1138His. This variant has been reported as a variant of uncertain significance in an individual with hypertrophic cardiomyopathy (Kim et al. 2020. PubMed ID: 32492895). This variant is reported in 0.021% of alleles in individuals of East Asian descent in gnomAD. At this time, the clinical significance of this variant is uncertain due to the absence of conclusive functional and genetic evidence.

Labcorp Genetics (formerly Invitae), Labcorp
Classification: Uncertain significance for Hypertrophic cardiomyopathy 14. Last evaluated: 2025-12-21. Review status: criteria provided, single submitter. Criteria: Invitae Variant Classification Sherloc (09022015). Collection method: clinical testing. Allele origin: germline.
Comment: This sequence change replaces arginine, which is basic and polar, with histidine, which is basic and polar, at codon 1138 of the MYH6 protein (p.Arg1138His). This variant is present in population databases (rs745801044, gnomAD 0.02%). This missense change has been observed in individual(s) with hypertrophic cardiomyopathy (PMID: 32492895). ClinVar contains an entry for this variant (Variation ID: 470523). Invitae Evidence Modeling of protein sequence and biophysical properties (such as structural, functional, and spatial information, amino acid conservation, physicochemical variation, residue mobility, and thermodynamic stability) indicates that this missense variant is expected to disrupt MYH6 protein function with a positive predictive value of 80%. In summary, the available evidence is currently insufficient to determine the role of this variant in disease. Therefore, it has been classified as a Variant of Uncertain Significance.

Women's Health and Genetics/Laboratory Corporation of America, LabCorp
Classification: Uncertain significance. Last evaluated: 2025-11-12. Review status: criteria provided, single submitter. Criteria: LabCorp Variant Classification Summary - May 2015. Collection method: clinical testing. Allele origin: germline.
Comment: Variant summary: MYH6 c.3413G>A (p.Arg1138His) results in a non-conservative amino acid change in the encoded protein sequence. Algorithms developed to predict the effect of missense changes on protein structure and function all suggest that this variant is likely to be disruptive. The variant allele was found at a frequency of 4.7e-05 in 236000 control chromosomes. The observed variant frequency exceeds the estimated maximal expected allele frequency for disease-causing variants in MYH6. c.3413G>A has been observed in individual(s) affected with Cardiomyopathy (Kim_2020). This report does not provide unequivocal conclusions about association of the variant with Cardiomyopathy. To our knowledge, no experimental evidence demonstrating an impact on protein function has been reported. The following publication has been ascertained in the context of this evaluation (PMID: 32492895). ClinVar contains an entry for this variant (Variation ID: 470523). Based on the evidence outlined above, the variant was classified as uncertain significance.

Ambry Genetics
Classification: Uncertain significance for Cardiovascular phenotype. Last evaluated: 2025-01-06. Review status: criteria provided, single submitter. Criteria: Ambry Variant Classification Scheme 2023. Collection method: clinical testing. Allele origin: germline.
Comment: The p.R1138H variant (also known as c.3413G>A), located in coding exon 24 of the MYH6 gene, results from a G to A substitution at nucleotide position 3413. The arginine at codon 1138 is replaced by histidine, an amino acid with highly similar properties. This amino acid position is well conserved in available vertebrate species. In addition, this alteration is predicted to be deleterious by in silico analysis. Based on the available evidence, the clinical significance of this variant remains unclear.

GeneDx
Classification: Uncertain significance. Last evaluated: 2024-10-11. Review status: criteria provided, single submitter. Criteria: GeneDx Variant Classification Process June 2021. Collection method: clinical testing. Allele origin: germline.
Comment: Reported in a patient with hypertrophic cardiomyopathy (HCM) in published literature (PMID: 32492895); In silico analysis supports that this missense variant has a deleterious effect on protein structure/function; This variant is associated with the following publications: (PMID: 32492895, 30681346)

Fulgent Genetics
Classification: Uncertain significance for Hypertrophic cardiomyopathy 1; Hypertrophic cardiomyopathy 14; Dilated cardiomyopathy 1EE; Atrial septal defect 3; Sick sinus syndrome 3, susceptibility to. Last evaluated: 2021-12-29. Review status: criteria provided, single submitter. Criteria: ACMG Guidelines, 2015. Collection method: clinical testing. Allele origin: unknown.

Clinical Molecular Genetics Laboratory, Johns Hopkins All Children's Hospital
Classification: Uncertain significance for Left ventricular noncompaction. Last evaluated: 2017-06-21. Review status: no assertion criteria provided. Collection method: clinical testing. Allele origin: germline. Affected: yes. Not counted in ClinVar's aggregate classification.

Literature cited by the submitters: PubMed 32492895 (cited by Labcorp Genetics (formerly Invitae), Labcorp and Women's Health and Genetics/Laboratory Corporation of America, LabCorp).

NM_002471.4(MYH6):c.3413G>A (p.Arg1138His)

Gene: MYH6 (myosin heavy chain 6; minus strand). Cytogenetic location: 14q11.2.
Variant type: single nucleotide variant.
Coding change: c.3413G>A on transcript NM_002471.4 (MANE Select); coding-DNA position 3413, G replaced by A.
Protein change: p.Arg1138His; replaces arginine 1138 with histidine.
Molecular consequence: missense variant.
Genome position (GRCh38, 1-based): chr14:23,390,376, C>T on the plus strand (G>A on the coding strand, the complement: MYH6 is on the minus strand). VCF-style: chr14-23390376-C-T. GRCh37 (hg19) VCF-style: chr14-23859585-C-T.
Other names: short protein forms R1138H.
Identifiers: ClinVar variation 470523 (VCV000470523.14), dbSNP rs745801044, ClinGen allele CA7115191.